The following is an entry in ClinVar:

ClinVar aggregate classification (germline): Uncertain significance. Review status: criteria provided, multiple submitters, no conflicts (2 of 4 stars). 4 submissions from 4 submitters: Uncertain significance (3). 1 of the submissions does not count toward it. Last evaluated 2025-07-05.

Conditions:
CRB1-related disorder. Also called: CRB1-related disorders; CRB1-related condition.
Leber congenital amaurosis 8 (LCA8). Identifiers: Orphanet 65, MedGen C3151202, MONDO:0013453, OMIM 613835.
Retinitis pigmentosa 12 (RP12). Also called: RP WITH OR WITHOUT PRESERVED PARAARTERIOLE RETINAL PIGMENT EPITHELIUM; RETINITIS PIGMENTOSA WITH OR WITHOUT PARAARTERIOLAR PRESERVATION OF RETINAL PIGMENT EPITHELIUM; RP WITH OR WITHOUT PPRPE. Identifiers: Orphanet 791, MedGen C1838647, MONDO:0010818, OMIM 600105.
Leber congenital amaurosis (LCA). Also called: Leber's amaurosis. Identifiers: Orphanet 65, MedGen C0339527, MeSH D057130, MONDO:0018998.

Allele frequency attached by ClinVar (database versions not stated): gnomAD 0.00001; gnomAD exomes 0.00001; TOPMed 0.00002.
gnomAD v4.1: 15 of 1,613,916 alleles (0.00093%); highest among the groups gnomAD compares: Admixed American, 0.0017%; no homozygotes.

Submissions (4):

PreventionGenetics, part of Exact Sciences
Classification: Uncertain significance for CRB1-related condition. Last evaluated: 2025-07-05. Review status: criteria provided, single submitter. Criteria: ACMG Guidelines, 2015. Collection method: clinical testing. Allele origin: germline.
Comment: The CRB1 c.745G>A variant is predicted to result in the amino acid substitution p.Asp249Asn. To our knowledge, this variant has not been reported in the literature. This variant is present in 0.0028% of alleles in individuals of Latino descent in gnomAD. At this time, the clinical significance of this variant is uncertain due to the absence of conclusive functional and genetic evidence.

Blueprint Genetics
Classification: Uncertain significance. Last evaluated: 2022-09-07. Review status: criteria provided, single submitter. Criteria: ACMG Guidelines, 2015. Collection method: clinical testing. Allele origin: germline.

Labcorp Genetics (formerly Invitae), Labcorp
Classification: Uncertain significance for Leber congenital amaurosis 8; Retinitis pigmentosa 12. Last evaluated: 2021-08-27. Review status: criteria provided, single submitter. Criteria: Invitae Variant Classification Sherloc (09022015). Collection method: clinical testing. Allele origin: germline.
Comment: This sequence change replaces aspartic acid with asparagine at codon 249 of the CRB1 protein (p.Asp249Asn). The aspartic acid residue is highly conserved and there is a small physicochemical difference between aspartic acid and asparagine. This variant is not present in population databases (ExAC no frequency). This variant has not been reported in the literature in individuals affected with CRB1-related conditions. Algorithms developed to predict the effect of missense changes on protein structure and function are either unavailable or do not agree on the potential impact of this missense change (SIFT: "Deleterious"; PolyPhen-2: "Benign"; Align-GVGD: "Class C15"). In summary, the available evidence is currently insufficient to determine the role of this variant in disease. Therefore, it has been classified as a Variant of Uncertain Significance.

Natera, Inc.
Classification: Uncertain significance for Leber congenital amaurosis. Last evaluated: 2021-02-22. Review status: no assertion criteria provided. Collection method: clinical testing. Allele origin: germline. Not counted in ClinVar's aggregate classification.

NM_201253.3(CRB1):c.745G>A (p.Asp249Asn)

Gene: CRB1 (crumbs cell polarity complex component 1; plus strand). Cytogenetic location: 1q31.3.
Variant type: single nucleotide variant.
Coding change: c.745G>A on transcript NM_201253.3 (MANE Select); coding-DNA position 745, G replaced by A.
Protein change: p.Asp249Asn; replaces aspartic acid 249 with asparagine.
Molecular consequence: missense variant. On other transcripts: non-coding transcript variant (2), intron variant (1).
Genome position (GRCh38, 1-based): chr1:197,344,373, G>A. VCF-style: chr1-197344373-G-A. GRCh37 (hg19) VCF-style: chr1-197313503-G-A.
Other names: c.538G>A, p.Asp180Asn (NM_001257965.2); c.745G>A, p.Asp249Asn (NM_001257966.2); c.653-12458G>A (NM_001193640.2); c.745G>A (NM_201253.2); short protein forms D180N, D249N.
Identifiers: ClinVar variation 1055391 (VCV001055391.5), dbSNP rs1461964160, ClinGen allele CA344083305.